The following is an entry in ClinVar:

ClinVar aggregate classification (germline): Uncertain significance. Review status: criteria provided, multiple submitters, no conflicts (2 of 4 stars). 3 submissions from 3 submitters: Uncertain significance (3). Last evaluated 2026-08-26.

Conditions:
Inborn genetic diseases. Identifiers: MedGen C0950123, MeSH D030342.
FOXC2-related disorder. Also called: FOXC2-related condition.

Allele frequency attached by ClinVar (database versions not stated): gnomAD exomes 0.00003; gnomAD 0.00005; TOPMed 0.00007.

Submissions (3):

PreventionGenetics, part of Exact Sciences
Classification: Uncertain significance for FOXC2-related condition. Last evaluated: 2026-08-26. Review status: criteria provided, single submitter. Criteria: ACMG Guidelines, 2015. Collection method: clinical testing. Allele origin: germline.
Comment: The FOXC2 c.883G>A variant is predicted to result in the amino acid substitution p.Gly295Ser. To our knowledge, this variant has not been reported in the literature. This variant is reported in 0.0% of alleles in individuals of African descent in gnomAD. At this time, the clinical significance of this variant is uncertain due to the absence of conclusive functional and genetic evidence.

Ambry Genetics
Classification: Uncertain significance for Inborn genetic diseases. Last evaluated: 2026-01-09. Review status: criteria provided, single submitter. Criteria: Ambry Variant Classification Scheme 2023. Collection method: clinical testing. Allele origin: germline.

Labcorp Genetics (formerly Invitae), Labcorp
Classification: Uncertain significance. Last evaluated: 2024-05-06. Review status: criteria provided, single submitter. Criteria: Invitae Variant Classification Sherloc (09022015). Collection method: clinical testing. Allele origin: germline.
Comment: This sequence change replaces glycine, which is neutral and non-polar, with serine, which is neutral and polar, at codon 295 of the FOXC2 protein (p.Gly295Ser). The frequency data for this variant in the population databases is considered unreliable, as metrics indicate poor data quality at this position in the gnomAD database. This variant has not been reported in the literature in individuals affected with FOXC2-related conditions. ClinVar contains an entry for this variant (Variation ID: 2043601). An algorithm developed to predict the effect of missense changes on protein structure and function (PolyPhen-2) suggests that this variant is likely to be tolerated. In summary, the available evidence is currently insufficient to determine the role of this variant in disease. Therefore, it has been classified as a Variant of Uncertain Significance.

NM_005251.3(FOXC2):c.883G>A (p.Gly295Ser)

Gene: FOXC2 (forkhead box C2; plus strand). Cytogenetic location: 16q24.1.
Variant type: single nucleotide variant.
Coding change: c.883G>A on transcript NM_005251.3 (MANE Select); coding-DNA position 883, G replaced by A.
Protein change: p.Gly295Ser; replaces glycine 295 with serine.
Molecular consequence: missense variant.
Genome position (GRCh38, 1-based): chr16:86,568,218, G>A. VCF-style: chr16-86568218-G-A. GRCh37 (hg19) VCF-style: chr16-86601824-G-A.
Other names: short protein forms G295S.
Identifiers: ClinVar variation 2043601 (VCV002043601.7), dbSNP rs774767014, ClinGen allele CA8218404.